The following is an entry in ClinVar:

ClinVar aggregate classification (germline): Uncertain significance. Review status: criteria provided, multiple submitters, no conflicts (2 of 4 stars). 2 submissions from 2 submitters: Uncertain significance (2). Last evaluated 2023-03-12.

Conditions:
ABCA4-related retinopathy. Also called: ABCA4-related retinoapthy; ABCA4 retinoapthy. Identifiers: MedGen CN322612, MONDO:0800406.

Allele frequency attached by ClinVar (database versions not stated): ExAC 0.00001; gnomAD exomes 0.00001.
gnomAD v4.1: 7 of 1,613,850 alleles (0.00043%); highest among the groups gnomAD compares: Non-Finnish European, 0.00059%; no homozygotes.

Submissions (2):

Department of Pathology and Laboratory Medicine, Sinai Health System
Classification: Uncertain significance for ABCA4-related retinopathy. Last evaluated: 2023-03-12. Review status: criteria provided, single submitter. Criteria: ACMG Guidelines, 2015. Collection method: research. Allele origin: germline.

GeneDx
Classification: Uncertain significance. Last evaluated: 2022-06-11. Review status: criteria provided, single submitter. Criteria: GeneDx Variant Classification Process June 2021. Collection method: clinical testing. Allele origin: germline. Affected: yes.
Comment: Not observed at significant frequency in large population cohorts (gnomAD); In silico analysis supports that this missense variant has a deleterious effect on protein structure/function; Has not been previously published as pathogenic or benign to our knowledge

NM_000350.3(ABCA4):c.5090T>G (p.Phe1697Cys)

Gene: ABCA4 (ATP binding cassette subfamily A member 4; minus strand). Cytogenetic location: 1p22.1.
Variant type: single nucleotide variant.
Coding change: c.5090T>G on transcript NM_000350.3 (MANE Select); coding-DNA position 5090, T replaced by G.
Protein change: p.Phe1697Cys; replaces phenylalanine 1697 with cysteine.
Molecular consequence: missense variant.
Genome position (GRCh38, 1-based): chr1:94,019,688, A>C on the plus strand (T>G on the coding strand, the complement: ABCA4 is on the minus strand). VCF-style: chr1-94019688-A-C. GRCh37 (hg19) VCF-style: chr1-94485244-A-C.
Other names: c.4868T>G, p.Phe1623Cys (NM_001425324.1); short protein forms F1697C, F1623C.
Identifiers: ClinVar variation 1809971 (VCV001809971.2), dbSNP rs776687457, ClinGen allele CA957377.
Genomic context (GRCh38, chr1:94,019,688, plus strand): 5'-CCACTGATAAACTGGAGGTGCTTGGATTTGTTCACCCGCTCCTGGATCAAATAAAGGACA[A>C]AGCTGGCTGGGACGAAGGACATGGAGAAAATCACGCAGATGGCAACCACAGCATCCACTG-3'
Protein context (NP_000341.2, residues 1687-1707): IFSMSFVPAS[Phe1697Cys]VLYLIQERVN